The following is an entry in ClinVar:

NM_016216.4(DBR1):c.160G>C (p.Val54Leu)

Genes: DBR1 (debranching RNA lariats 1; minus strand), LOC129937648 (ATAC-STARR-seq lymphoblastoid active region 20601; plus strand). Cytogenetic location: 3q22.3.
Variant type: single nucleotide variant.
Coding change: c.160G>C on transcript NM_016216.4 (MANE Select); coding-DNA position 160, G replaced by C.
Protein change: p.Val54Leu; replaces valine 54 with leucine.
Molecular consequence: missense variant.
Genome position (GRCh38, 1-based): chr3:138,174,636, C>G on the plus strand (G>C on the coding strand, the complement: DBR1 is on the minus strand). VCF-style: chr3-138174636-C-G. GRCh37 (hg19) VCF-style: chr3-137893478-C-G.
Other names: short protein forms V54L.
Identifiers: ClinVar variation 1973254 (VCV001973254.5), dbSNP rs1387493876, ClinGen allele CA354679009.

ClinVar aggregate classification (germline): Uncertain significance (1 of 4 stars; one submission).

Allele frequency attached by ClinVar (database versions not stated): gnomAD 0.00003; TOPMed 0.00003.
gnomAD v4.1: 13 of 1,611,968 alleles (0.00081%); highest among the groups gnomAD compares: African/African-American, 0.017%; no homozygotes.

Submission:

Labcorp Genetics (formerly Invitae), Labcorp
Classification: Uncertain significance. Last evaluated: 2022-02-19. Review status: criteria provided, single submitter. Criteria: Invitae Variant Classification Sherloc (09022015). Collection method: clinical testing. Allele origin: germline.
Comment: In summary, the available evidence is currently insufficient to determine the role of this variant in disease. Therefore, it has been classified as a Variant of Uncertain Significance. Algorithms developed to predict the effect of missense changes on protein structure and function are either unavailable or do not agree on the potential impact of this missense change (SIFT: "Deleterious"; PolyPhen-2: "Probably Damaging"; Align-GVGD: "Class C0"). This variant has not been reported in the literature in individuals affected with DBR1-related conditions. This variant is present in population databases (no rsID available, gnomAD 0.02%). This sequence change replaces valine, which is neutral and non-polar, with leucine, which is neutral and non-polar, at codon 54 of the DBR1 protein (p.Val54Leu).